The following is an entry in ClinVar:

NM_014639.4(SKIC3):c.231G>A (p.Trp77Ter)

Gene: SKIC3 (SKI3 subunit of superkiller complex; minus strand). Cytogenetic location: 5q15.
Variant type: single nucleotide variant.
Coding change: c.231G>A on transcript NM_014639.4 (MANE Select); coding-DNA position 231, G replaced by A.
Protein change: p.Trp77Ter; replaces tryptophan 77 with a stop codon.
Molecular consequence: nonsense.
Genome position (GRCh38, 1-based): chr5:95,543,187, C>T on the plus strand (G>A on the coding strand, the complement: SKIC3 is on the minus strand). VCF-style: chr5-95543187-C-T. GRCh37 (hg19) VCF-style: chr5-94878891-C-T.
Other names: short protein forms W77*.
Identifiers: ClinVar variation 1687274 (VCV001687274.6), dbSNP rs755681347, ClinGen allele CA3347687.
Genomic context (GRCh38, chr5:95,543,187, plus strand): 5'-GAAAAATGCAAAAAAAAATCCATTTCCATAATACAGAAAAAAAAAATTTCTACATACCTG[C>T]CAAGCTAGTAATTGGTCTGGCTCTAATTCAGCAGCTTTTTTATAGGCACTCTGGGCCTGA-3'

ClinVar aggregate classification (germline): Pathogenic/Likely pathogenic. Review status: criteria provided, multiple submitters, no conflicts (2 of 4 stars). 2 submissions from 2 submitters: Pathogenic (1); Likely pathogenic (1). Last evaluated 2024-01-25.

Conditions:
Trichohepatoenteric syndrome 1 (THES1). Also called: DIARRHEA, FATAL INFANTILE, WITH TRICHORRHEXIS NODOSA. Identifiers: Orphanet 84064, MedGen C4551982, MONDO:0024541, OMIM 222470.

Allele frequency attached by ClinVar (database versions not stated): gnomAD exomes below 0.00001; ExAC 0.00001.
gnomAD v4.1: 2 of 1,613,870 alleles (0.00012%); highest among the groups gnomAD compares: South Asian, 0.0011%; no homozygotes.

Submissions (2):

Labcorp Genetics (formerly Invitae), Labcorp
Classification: Pathogenic. Last evaluated: 2024-01-25. Review status: criteria provided, single submitter. Criteria: Invitae Variant Classification Sherloc (09022015). Collection method: clinical testing. Allele origin: germline.
Comment: This sequence change creates a premature translational stop signal (p.Trp77*) in the TTC37 gene. It is expected to result in an absent or disrupted protein product. Loss-of-function variants in TTC37 are known to be pathogenic (PMID: 20176027, 21120949). This variant is present in population databases (rs755681347, gnomAD 0.0009%). This variant has not been reported in the literature in individuals affected with TTC37-related conditions. ClinVar contains an entry for this variant (Variation ID: 1687274). For these reasons, this variant has been classified as Pathogenic.

3billion
Classification: Likely pathogenic for Trichohepatoenteric syndrome 1. Last evaluated: 2022-05-22. Review status: criteria provided, single submitter. Criteria: ACMG Guidelines, 2015. Collection method: clinical testing. Allele origin: germline. Affected: yes. Observed: 1 heterozygote.
Comment: The variant is not observed in the gnomAD v2.1.1 dataset. Stop-gained (nonsense): predicted to result in a loss or disruption of normal protein function through nonsense-mediated decay (NMD) or protein truncation. Multiple pathogenic variants are reported downstream of the variant. Therefore, this variant is classified as likely pathogenic according to the recommendation of ACMG/AMP guideline.

Literature cited by the submitters: PubMed 20176027 (cited by Labcorp Genetics (formerly Invitae), Labcorp); PubMed 21120949 (cited by Labcorp Genetics (formerly Invitae), Labcorp).